The following is an entry in ClinVar:

NM_005633.4(SOS1):c.28T>G (p.Phe10Val)

Genes: SOS1 (SOS Ras/Rac guanine nucleotide exchange factor 1; minus strand), LOC129933535 (ATAC-STARR-seq lymphoblastoid silent region 11384; plus strand). Cytogenetic location: 2p22.1.
Variant type: single nucleotide variant.
Coding change: c.28T>G on transcript NM_005633.4 (MANE Select); coding-DNA position 28, T replaced by G.
Protein change: p.Phe10Val; replaces phenylalanine 10 with valine.
Molecular consequence: missense variant. On other transcripts: intron variant (1).
Genome position (GRCh38, 1-based): chr2:39,120,395, A>C on the plus strand (T>G on the coding strand, the complement: SOS1 is on the minus strand). VCF-style: chr2-39120395-A-C. GRCh37 (hg19) VCF-style: chr2-39347536-A-C.
Other names: c.28T>G, p.Phe10Val (NM_001382395.1); c.66+4269T>G (NM_001382394.1); short protein forms F10V.
Identifiers: ClinVar variation 1484115 (VCV001484115.8), dbSNP rs2148243308, ClinGen allele CA346374749.

ClinVar aggregate classification (germline): Uncertain significance (1 of 4 stars; one submission).

Conditions:
RASopathy. Also called: rasopathies; Noonan spectrum disorder. Identifiers: Orphanet 536391, MedGen C5555857, MONDO:0021060.

Submission:

Labcorp Genetics (formerly Invitae), Labcorp
Classification: Uncertain significance for RASopathy. Last evaluated: 2021-02-25. Review status: criteria provided, single submitter. Criteria: Invitae Variant Classification Sherloc (09022015). Collection method: clinical testing. Allele origin: germline.
Comment: In summary, the available evidence is currently insufficient to determine the role of this variant in disease. Therefore, it has been classified as a Variant of Uncertain Significance. Advanced modeling of protein sequence and biophysical properties (such as structural, functional, and spatial information, amino acid conservation, physicochemical variation, residue mobility, and thermodynamic stability) performed at Invitae indicates that this missense variant is expected to disrupt SOS1 protein function. This variant has not been reported in the literature in individuals with SOS1-related conditions. This variant is not present in population databases (ExAC no frequency). This sequence change replaces phenylalanine with valine at codon 10 of the SOS1 protein (p.Phe10Val). The phenylalanine residue is moderately conserved and there is a small physicochemical difference between phenylalanine and valine.